The following is an entry in ClinVar:

ClinVar aggregate classification (germline): Uncertain significance (1 of 4 stars; one submission).

Allele frequency attached by ClinVar (database versions not stated): gnomAD exomes below 0.00001.
gnomAD v4.1: 1 of 1,614,084 alleles (0.000062%); highest among the groups gnomAD compares: African/African-American, 0.0013%; no homozygotes.

Submission:

Labcorp Genetics (formerly Invitae), Labcorp
Classification: Uncertain significance. Last evaluated: 2023-02-18. Review status: criteria provided, single submitter. Criteria: Invitae Variant Classification Sherloc (09022015). Collection method: clinical testing. Allele origin: germline.
Comment: This sequence change replaces proline, which is neutral and non-polar, with serine, which is neutral and polar, at codon 172 of the POLE protein (p.Pro172Ser). This variant is not present in population databases (gnomAD no frequency). In summary, the available evidence is currently insufficient to determine the role of this variant in disease. Therefore, it has been classified as a Variant of Uncertain Significance. Advanced modeling of protein sequence and biophysical properties (such as structural, functional, and spatial information, amino acid conservation, physicochemical variation, residue mobility, and thermodynamic stability) performed at Invitae indicates that this missense variant is not expected to disrupt POLE protein function. This variant has not been reported in the literature in individuals affected with POLE-related conditions.

NM_006231.4(POLE):c.514C>T (p.Pro172Ser)

Gene: POLE (DNA polymerase epsilon, catalytic subunit; minus strand). Cytogenetic location: 12q24.33.
Variant type: single nucleotide variant.
Coding change: c.514C>T on transcript NM_006231.4 (MANE Select); coding-DNA position 514, C replaced by T.
Protein change: p.Pro172Ser; replaces proline 172 with serine.
Molecular consequence: missense variant.
Genome position (GRCh38, 1-based): chr12:132,679,561, G>A on the plus strand (C>T on the coding strand, the complement: POLE is on the minus strand). VCF-style: chr12-132679561-G-A. GRCh37 (hg19) VCF-style: chr12-133256147-G-A.
Other names: short protein forms P172S.
Identifiers: ClinVar variation 2998232 (VCV002998232.3), dbSNP rs2542188413, ClinGen allele CA387367051.